The following is an entry in ClinVar:

ClinVar aggregate classification (germline): Uncertain significance. Review status: criteria provided, multiple submitters, no conflicts (2 of 4 stars). 2 submissions from 2 submitters: Uncertain significance (2). Last evaluated 2022-08-22.

Submissions (2):

Blueprint Genetics
Classification: Uncertain significance. Last evaluated: 2022-08-22. Review status: criteria provided, single submitter. Criteria: ACMG Guidelines, 2015. Collection method: clinical testing. Allele origin: germline.

Labcorp Genetics (formerly Invitae), Labcorp
Classification: Uncertain significance. Last evaluated: 2022-04-24. Review status: criteria provided, single submitter. Criteria: Invitae Variant Classification Sherloc (09022015). Collection method: clinical testing. Allele origin: germline.
Comment: In summary, the available evidence is currently insufficient to determine the role of this variant in disease. Therefore, it has been classified as a Variant of Uncertain Significance. Algorithms developed to predict the effect of missense changes on protein structure and function are either unavailable or do not agree on the potential impact of this missense change (SIFT: "Deleterious"; PolyPhen-2: "Probably Damaging"; Align-GVGD: "Class C0"). This variant has not been reported in the literature in individuals affected with RBP3-related conditions. This variant is not present in population databases (gnomAD no frequency). This sequence change replaces arginine, which is basic and polar, with proline, which is neutral and non-polar, at codon 443 of the RBP3 protein (p.Arg443Pro).

NM_002900.3(RBP3):c.1328G>C (p.Arg443Pro)

Gene: RBP3 (retinol binding protein 3; plus strand). Cytogenetic location: 10q11.22.
Variant type: single nucleotide variant.
Coding change: c.1328G>C on transcript NM_002900.3 (MANE Select); coding-DNA position 1328, G replaced by C.
Protein change: p.Arg443Pro; replaces arginine 443 with proline.
Molecular consequence: missense variant.
Genome position (GRCh38, 1-based): chr10:47,349,812, G>C. VCF-style: chr10-47349812-G-C. GRCh37 (hg19) VCF-style: chr10-48389550-C-G.
Other names: short protein forms R443P.
Identifiers: ClinVar variation 2129288 (VCV002129288.5), dbSNP rs781844060, ClinGen allele CA206461707.